The following is an entry in ClinVar:

NM_194454.3(KRIT1):c.1088del (p.Ala363fs)

Gene: KRIT1 (KRIT1 ankyrin repeat containing; minus strand). Cytogenetic location: 7q21.2.
Variant type: Deletion.
Coding change: c.1088del on transcript NM_194454.3 (MANE Select); coding-DNA position 1088, one base deleted (C; older notation c.1088delC).
Protein change: p.Ala363fs; shifts the reading frame from alanine 363.
Molecular consequence: frameshift variant.
Genome position (GRCh38, 1-based): chr7:92,226,584, G deleted on the plus strand (C on the coding strand, the reverse complement: KRIT1 is on the minus strand). VCF-style (leftmost placement, unchanged base first): chr7-92226583-AG-A. GRCh37 (hg19) VCF-style: chr7-91855897-AG-A.
Other names: c.944del, p.Ala315fs (NM_001013406.2, NM_001350669.1, NM_001350670.1); c.374del, p.Ala125fs (NM_001350671.1); c.1088del, p.Ala363fs (NM_001350672.1, NM_001350673.1, NM_001350674.1 and 26 more transcripts); short protein forms A125fs, A363fs, A315fs.
Identifiers: ClinVar variation 2136552 (VCV002136552.4), dbSNP rs2535886590, ClinGen allele CA2580077452.

ClinVar aggregate classification (germline): Pathogenic (1 of 4 stars; one submission).

Conditions:
Cerebral cavernous malformation (CCM). Also called: CAVERNOUS ANGIOMA, FAMILIAL; CAVERNOUS ANGIOMATOUS MALFORMATIONS; CEREBRAL CAPILLARY MALFORMATIONS; Cerebral cavernous malformations; Cerebral cavernous hemangioma (type); Cavernous Hemangioma of Brain. Identifiers: Orphanet 221061, MedGen C2919945, MONDO:0000820, OMIM 116860, HP:0033522.

Submission:

Labcorp Genetics (formerly Invitae), Labcorp
Classification: Pathogenic for Cerebral cavernous malformation. Last evaluated: 2025-08-18. Review status: criteria provided, single submitter. Criteria: Invitae Variant Classification Sherloc (09022015). Collection method: clinical testing. Allele origin: germline.
Comment: This sequence change creates a premature translational stop signal (p.Ala363Valfs*8) in the KRIT1 gene. It is expected to result in an absent or disrupted protein product. Loss-of-function variants in KRIT1 are known to be pathogenic (PMID: 10508515, 11222804, 12404106, 24689081). This variant is not present in population databases (gnomAD no frequency). This premature translational stop signal has been observed in individual(s) with cerebral cavernous malformation (PMID: 20306072). ClinVar contains an entry for this variant (Variation ID: 2136552). For these reasons, this variant has been classified as Pathogenic.

Literature cited by the submitters: PubMed 10508515; PubMed 11222804; PubMed 12404106; PubMed 24689081; PubMed 20306072.